The following is an entry in ClinVar:

NM_000156.6(GAMT):c.610_611delinsGAA (p.Arg204fs)

Gene: GAMT (guanidinoacetate N-methyltransferase; minus strand). Cytogenetic location: 19p13.3.
Variant type: Indel.
Coding change: c.610_611delinsGAA on transcript NM_000156.6 (MANE Select); coding-DNA positions 610 to 611, AG replaced by GAA.
Protein change: p.Arg204fs; shifts the reading frame from arginine 204.
Molecular consequence: frameshift variant.
Genome position (GRCh38, 1-based): chr19:1,397,459-1,397,460, CT replaced by TTC on the plus strand (AG replaced by GAA on the coding strand, the reverse complement: GAMT is on the minus strand). VCF-style: chr19-1397459-CT-TTC. GRCh37 (hg19) VCF-style: chr19-1397458-CT-TTC.
Other names: NM_000156.6:c.610_611delinsGAA; short protein forms R204fs.
Identifiers: ClinVar variation 2570640 (VCV002570640.2), dbSNP rs2512221397, ClinGen allele CA2499307108.
Genomic context (GRCh38, chr19:1,397,459, plus strand): 5'-GCGTAGTAGCGGCAGTCGGCCGGTGGGACCAGCGCCATCACCTCCGTACGGATGTTCTCC[CT>TTC]CCGGAAGCCGGCCTCCAGCAGCGCGGGCACCTGCGTCTCCTGGTCGGGGATGGCACCAGG-3'

ClinVar aggregate classification (germline): Likely pathogenic (3 of 4 stars; one submission).

Conditions:
Deficiency of guanidinoacetate methyltransferase (CCDS2). Also called: Guanidinoacetate Methyltransferase (GAMT) Deficiency; GAMT DEFICIENCY; CEREBRAL CREATINE DEFICIENCY SYNDROME 2. Identifiers: Orphanet 382, MedGen C0574080, MONDO:0012999, OMIM 612736.

Submission:

ClinGen Cerebral Creatine Deficiency Syndromes Variant Curation Expert Panel, ClinGen
Classification: Likely pathogenic for Deficiency of guanidinoacetate methyltransferase. Last evaluated: 2025-10-07. Review status: reviewed by expert panel. Criteria: ClinGen CCDS ACMG Specifications GAMT V2.0.0. Collection method: curation. Allele origin: germline. Inheritance: Autosomal recessive inheritance.
Comment: The NM_000156.6:c.610_611delAGinsGAA (p.Arg204Glufs*63) variant in GAMT is a frameshift variant predicted to cause a premature stop codon in the last exon of the gene and therefore to escape nonsense mediated decay. Less than 10% of the protein is predicted to be removed (PVS1_Moderate). This variant has been detected in one individual with elevated plasma GAA with low serum creatine, and decreased creatine peak with slight elevation of GAA peak on brain MRS, with full GAMT gene sequencing performed (PMID: 19027335) (PP4_Strong). This patient is compound heterozygous for the variant and another variant in GAMT that has been classified as pathogenic for GAMT deficiency by the ClinGen CCDS VCEP, c.402C>G (p.Tyr134Ter) (ClinVar Variation ID: 947458); phase not confirmed (PMID: 19027335) (0.5pts) (PM3_Supporting). The highest population minor allele frequency in gnomAD v4.1.0. is 8.475e-7 (1/1179880 alleles) in the European non-Finnish population, which is lower than the ClinGen CCDS VCEP’s threshold for PM2_Supporting (<0.0004), meeting this criterion (PM2_Supporting). There is a ClinVar entry for this variant (Variation ID: 2570640). In summary, this variant meets the criteria to be classified as likely pathogenic for GAMT deficiency based on the GAMT-specific ACMG/AMP criteria applied, as specified by the ClinGen Cerebral Creatine Deficiency Syndromes Variant Curation Expert Panel (Specifications Version 2.0.0): PVS1_Moderate, PM2_Supporting, PM3_Supporting, PP4_Strong. (Classification approved by the ClinGen Cerebral Creatine Deficiency Syndromes Variant Curation Expert Panel on October 7, 2025)